The following is an entry in ClinVar:

NM_007294.4(BRCA1):c.5227G>A (p.Gly1743Arg)

Gene: BRCA1 (BRCA1 DNA repair associated; minus strand). Cytogenetic location: 17q21.31.
Variant type: single nucleotide variant.
Coding change: c.5227G>A on transcript NM_007294.4 (MANE Select); coding-DNA position 5227, G replaced by A.
Protein change: p.Gly1743Arg; replaces glycine 1743 with arginine.
Molecular consequence: missense variant. On other transcripts: non-coding transcript variant (1).
Genome position (GRCh38, 1-based): chr17:43,057,102, C>T on the plus strand (G>A on the coding strand, the complement: BRCA1 is on the minus strand). VCF-style: chr17-43057102-C-T. GRCh37 (hg19) VCF-style: chr17-41209119-C-T.
Other names: c.5014G>A, p.Gly1672Arg (NM_001407571.1, NM_001407900.1, NM_001407902.1 and 12 more transcripts); c.5293G>A, p.Gly1765Arg (NM_001407581.1, NM_001407582.1); c.5290G>A, p.Gly1764Arg (NM_001407583.1, NM_001407585.1, NM_001407587.1 and 1 more transcripts); c.5224G>A, p.Gly1742Arg (NM_001407610.1, NM_001407611.1, NM_001407612.1 and 17 more transcripts); c.5221G>A, p.Gly1741Arg (NM_001407629.1, NM_001407630.1, NM_001407631.1 and 14 more transcripts); c.5167G>A, p.Gly1723Arg (NM_001407649.1); c.5149G>A, p.Gly1717Arg (NM_001407652.1, NM_001407653.1, NM_001407654.1 and 1 more transcripts); c.5146G>A, p.Gly1716Arg (NM_001407656.1, NM_001407657.1, NM_001407658.1); and 72 more; short protein forms G1743R, G639R, G1764R, G1696R, G1574R, G1615R, G1616R, G1631R.
Identifiers: ClinVar variation 865181 (VCV000865181.8), dbSNP rs2051517323, ClinGen allele CA10591090.

ClinVar aggregate classification (germline): Conflicting classifications of pathogenicity. Review status: criteria provided, conflicting classifications (1 of 4 stars). 2 submissions from 2 submitters: Likely pathogenic (1); Uncertain significance (1). Last evaluated 2023-09-29.

Conditions:
Hereditary breast ovarian cancer syndrome. Also called: Hereditary breast and/or ovarian cancer syndrome; BRCA1- and BRCA2-Associated Hereditary Breast and Ovarian Cancer; Hereditary breast and ovarian cancer syndrome; Hereditary breast and ovarian cancer; Hereditary breast and ovarian cancer syndrome (HBOC); Breast and ovarian cancer. Identifiers: Orphanet 145, MedGen C0677776, MeSH D061325, MONDO:0003582. Disease mechanism: loss of function.
Breast-ovarian cancer, familial, susceptibility to, 1 (BROVCA1). Also called: BRCA1 Hereditary Breast and Ovarian Cancer; OVARIAN CANCER, SUSCEPTIBILITY TO. Identifiers: Orphanet 145, MedGen C2676676, MONDO:0011450, OMIM 604370. Disease mechanism: loss of function.

Submissions (3):

Myriad Genetics, Inc.
Classification: Likely pathogenic for Breast-ovarian cancer, familial, susceptibility to, 1. Last evaluated: 2023-09-29. Review status: criteria provided, single submitter. Criteria: Myriad Autosomal Dominant, Autosomal Recessive and X-Linked Classification Criteria (2023). Collection method: clinical testing. Allele origin: unknown.
Comment: This variant is considered likely pathogenic. Functional studies indicate this variant impacts protein function [PMID: 30209399, 35196514].

Labcorp Genetics (formerly Invitae), Labcorp
Classification: Uncertain significance for Hereditary breast ovarian cancer syndrome. Last evaluated: 2023-02-15. Review status: criteria provided, single submitter. Criteria: Invitae Variant Classification Sherloc (09022015). Collection method: clinical testing. Allele origin: germline.
Comment: This sequence change replaces glycine, which is neutral and non-polar, with arginine, which is basic and polar, at codon 1743 of the BRCA1 protein (p.Gly1743Arg). This variant is not present in population databases (gnomAD no frequency). This variant has not been reported in the literature in individuals affected with BRCA1-related conditions. ClinVar contains an entry for this variant (Variation ID: 865181). Advanced modeling performed at Invitae incorporating data from internal and/or published experimental studies (PMID: 30209399) indicates that this missense variant is expected to disrupt BRCA1 function. In summary, the available evidence is currently insufficient to determine the role of this variant in disease. Therefore, it has been classified as a Variant of Uncertain Significance.

Brotman Baty Institute, University of Washington
No classification provided (evidence only). Condition: Breast-ovarian cancer, familial 1. Review status: no classification provided. Collection method: in vitro. Allele origin: not applicable. Functional consequence: functionally_abnormal. Not counted in ClinVar's aggregate classification.
ClinVar note: "not provided" was previously submitted as the classification for the variant. However, the classification appeared to be based only on an observation of functional data so it was converted to no classification on 2025-07-30.

Literature cited by the submitters: PubMed 30209399 (cited by Myriad Genetics, Inc. and Labcorp Genetics (formerly Invitae), Labcorp); PubMed 35196514 (cited by Myriad Genetics, Inc.).